The following is an entry in ClinVar:

ClinVar aggregate classification (germline): Uncertain significance. Review status: criteria provided, multiple submitters, no conflicts (2 of 4 stars). 4 submissions from 4 submitters: Uncertain significance (4). Last evaluated 2025-10-11.

Conditions:
Atrioventricular septal defect 4 (AVSD4). Identifiers: MedGen C3280781, MONDO:0013747, OMIM 614430.
Cardiovascular phenotype. Identifiers: MedGen CN230736.

Submissions (4):

Labcorp Genetics (formerly Invitae), Labcorp
Classification: Uncertain significance for Atrioventricular septal defect 4. Last evaluated: 2025-10-11. Review status: criteria provided, single submitter. Criteria: Invitae Variant Classification Sherloc (09022015). Collection method: clinical testing. Allele origin: germline.
Comment: This sequence change replaces asparagine, which is neutral and polar, with serine, which is neutral and polar, at codon 219 of the GATA4 protein (p.Asn219Ser). This variant is not present in population databases (gnomAD no frequency). This variant has not been reported in the literature in individuals affected with GATA4-related conditions. ClinVar contains an entry for this variant (Variation ID: 1309640). Invitae Evidence Modeling of protein sequence and biophysical properties (such as structural, functional, and spatial information, amino acid conservation, physicochemical variation, residue mobility, and thermodynamic stability) has been performed for this missense variant. However, the output from this modeling did not meet the statistical confidence thresholds required to predict the impact of this variant on GATA4 protein function. In summary, the available evidence is currently insufficient to determine the role of this variant in disease. Therefore, it has been classified as a Variant of Uncertain Significance.

Ambry Genetics
Classification: Uncertain significance for Cardiovascular phenotype. Last evaluated: 2025-02-04. Review status: criteria provided, single submitter. Criteria: Ambry Variant Classification Scheme 2023. Collection method: clinical testing. Allele origin: germline.
Comment: The p.N219S variant (also known as c.656A>G), located in coding exon 2 of the GATA4 gene, results from an A to G substitution at nucleotide position 656. The asparagine at codon 219 is replaced by serine, an amino acid with highly similar properties. This amino acid position is conserved. In addition, the in silico prediction for this alteration is inconclusive. Based on the available evidence, the clinical significance of this variant remains unclear.

Blueprint Genetics
Classification: Uncertain significance. Last evaluated: 2021-03-24. Review status: criteria provided, single submitter. Criteria: ACMG Guidelines, 2015. Collection method: clinical testing. Allele origin: germline.

GeneDx
Classification: Uncertain significance. Last evaluated: 2019-10-24. Review status: criteria provided, single submitter. Criteria: GeneDx Variant Classification Process June 2021. Collection method: clinical testing. Allele origin: germline. Affected: yes.
Comment: Not observed in large population cohorts (Lek et al., 2016); In silico analysis, which includes protein predictors and evolutionary conservation, supports a deleterious effect; Has not been previously published as pathogenic or benign to our knowledge

NM_001308093.3(GATA4):c.659A>G (p.Asn220Ser)

Gene: GATA4 (GATA binding protein 4). Cytogenetic location: 8p23.1.
Variant type: single nucleotide variant.
Coding change: c.659A>G on transcript NM_001308093.3 (MANE Select); coding-DNA position 659, A replaced by G.
Protein change: p.Asn220Ser; replaces asparagine 220 with serine.
Molecular consequence: missense variant.
Genome position (GRCh38, 1-based): chr8:11,748,958, A>G. VCF-style: chr8-11748958-A-G. GRCh37 (hg19) VCF-style: chr8-11606467-A-G.
Other names: c.38A>G, p.Asn13Ser (NM_001308094.2, NM_001374273.1, NM_001374274.1); c.656A>G, p.Asn219Ser (NM_002052.5); short protein forms N13S, N219S, N220S.
Identifiers: ClinVar variation 1309640 (VCV001309640.5), dbSNP rs2130306856, ClinGen allele CA370312613.